The following is an entry in ClinVar:

ClinVar aggregate classification (germline): Uncertain significance (1 of 4 stars; one submission).

Conditions:
Familial encephalopathy with neuroserpin inclusion bodies. Also called: ENCEPHALOPATHY, FAMILIAL, WITH COLLINS BODIES. Identifiers: Orphanet 85110, MedGen C1858680, MONDO:0011412, OMIM 604218.

Submission:

Labcorp Genetics (formerly Invitae), Labcorp
Classification: Uncertain significance for Familial encephalopathy with neuroserpin inclusion bodies. Last evaluated: 2024-04-17. Review status: criteria provided, single submitter. Criteria: Invitae Variant Classification Sherloc (09022015). Collection method: clinical testing. Allele origin: germline.
Comment: This sequence change replaces proline, which is neutral and non-polar, with threonine, which is neutral and polar, at codon 368 of the SERPINI1 protein (p.Pro368Thr). This variant is not present in population databases (gnomAD no frequency). This variant has not been reported in the literature in individuals affected with SERPINI1-related conditions. Advanced modeling of protein sequence and biophysical properties (such as structural, functional, and spatial information, amino acid conservation, physicochemical variation, residue mobility, and thermodynamic stability) performed at Invitae indicates that this missense variant is not expected to disrupt SERPINI1 protein function with a negative predictive value of 80%. Algorithms developed to predict the effect of sequence changes on RNA splicing suggest that this variant may disrupt the consensus splice site. In summary, the available evidence is currently insufficient to determine the role of this variant in disease. Therefore, it has been classified as a Variant of Uncertain Significance.

NM_001122752.2(SERPINI1):c.1102C>A (p.Pro368Thr)

Gene: SERPINI1 (serpin family I member 1; plus strand). Cytogenetic location: 3q26.1.
Variant type: single nucleotide variant.
Coding change: c.1102C>A on transcript NM_001122752.2 (MANE Select); coding-DNA position 1102, C replaced by A.
Protein change: p.Pro368Thr; replaces proline 368 with threonine.
Molecular consequence: missense variant.
Genome position (GRCh38, 1-based): chr3:167,824,508, C>A. VCF-style: chr3-167824508-C-A. GRCh37 (hg19) VCF-style: chr3-167542296-C-A.
Other names: c.1102C>A, p.Pro368Thr (NM_005025.5); short protein forms P368T.
Identifiers: ClinVar variation 3650217 (VCV003650217.2).